The following is an entry in ClinVar:

NM_006648.4(WNK2):c.701T>G (p.Leu234Arg)

Gene: WNK2 (WNK lysine deficient protein kinase 2; plus strand). Cytogenetic location: 9q22.31.
Variant type: single nucleotide variant.
Coding change: c.701T>G on transcript NM_006648.4 (MANE Select); coding-DNA position 701, T replaced by G.
Protein change: p.Leu234Arg; replaces leucine 234 with arginine.
Molecular consequence: missense variant.
Genome position (GRCh38, 1-based): chr9:93,229,715, T>G. VCF-style: chr9-93229715-T-G. GRCh37 (hg19) VCF-style: chr9-95991997-T-G.
Other names: c.701T>G, p.Leu234Arg (NM_001282394.3); short protein forms L234R.
Identifiers: ClinVar variation 4605218 (VCV004605218.1).

ClinVar aggregate classification (germline): Uncertain significance (1 of 4 stars; one submission).

Submission:

Ambry Genetics
Classification: Uncertain significance. Last evaluated: 2025-10-03. Review status: criteria provided, single submitter. Criteria: Ambry Variant Classification Scheme 2023. Collection method: clinical testing. Allele origin: germline.
Comment: The p.L234R variant (also known as c.701T>G), located in coding exon 2 of the WNK2 gene, results from a T to G substitution at nucleotide position 701. The leucine at codon 234 is replaced by arginine, an amino acid with dissimilar properties. This amino acid position is conserved. In addition, this alteration is predicted to be tolerated by in silico analysis. Based on the available evidence, the clinical significance of this variant remains unclear.